The following is an entry in ClinVar:

ClinVar aggregate classification (germline): Uncertain significance (1 of 4 stars; one submission).

Conditions:
Cowden syndrome (CS). Also called: Cowden's disease; Cowden's syndrome; Cowden disease. Identifiers: Orphanet 201, MedGen C0018553, MONDO:0016063. Disease mechanism: gain of function.

Submission:

Labcorp Genetics (formerly Invitae), Labcorp
Classification: Uncertain significance for Cowden syndrome. Last evaluated: 2016-12-13. Review status: criteria provided, single submitter. Criteria: Invitae Variant Classification Sherloc (09022015). Collection method: clinical testing. Allele origin: germline.
Comment: A gross duplication of the genomic region encompassing the full coding sequence of the PIK3CA gene has been identified. The boundaries of this event are unknown as the duplication extends beyond the assayed region for this gene and therefore may encompass additional genes. As the precise location of this duplication is unknown, it may be in tandem or it may be located elsewhere in the genome. Duplications of the entire sequence of the PIK3CA gene have not been reported in the literature. In summary, this is a novel duplication of the entire genomic sequence of the PIK3A gene. The clinical significance of this duplication is uncertain at this time. Therefore, it has been classified as a Variant of Uncertain Significance.

NC_000003.11:g.(?_178916538)_(178952500_?)dup

Gene: PIK3CA (phosphatidylinositol-4,5-bisphosphate 3-kinase catalytic subunit alpha; plus strand). Cytogenetic location: 3q26.32.
Variant type: Duplication.
Identifiers: ClinVar variation 417323 (VCV000417323.1).